The following is an entry in ClinVar:

ClinVar aggregate classification (germline): Benign (3 of 4 stars; one submission).

Conditions:
Breast-ovarian cancer, familial, susceptibility to, 2 (BROVCA2). Also called: BRCA2 Hereditary Breast and Ovarian Cancer. Identifiers: Orphanet 145, MedGen C2675520, MONDO:0012933, OMIM 612555. Disease mechanism: loss of function.

Allele frequency attached by ClinVar (database versions not stated): gnomAD 0.00042 and 0.00054; TOPMed 0.00060; 1000 Genomes Project 0.00240; 1000 Genomes Project 30x 0.00250.
gnomAD v4.1: 81 of 152,080 alleles (0.053%); highest among the groups gnomAD compares: East Asian, 1.5%; 2 homozygotes.

Submission:

Evidence-based Network for the Interpretation of Germline Mutant Alleles (ENIGMA)
Classification: Benign for Breast-ovarian cancer, familial 2. Last evaluated: 2015-01-12. Review status: reviewed by expert panel. Criteria: ENIGMA BRCA1/2 Classification Criteria (2015). Collection method: curation. Allele origin: germline.
Comment: Class 1 not pathogenic based on frequency >1% in an outbred sampleset. Frequency 0.01049 (Asian), derived from 1000 genomes (2012-04-30).

NM_000059.4(BRCA2):c.6938-313C>T

Gene: BRCA2 (BRCA2 DNA repair associated; plus strand). Cytogenetic location: 13q13.1.
Variant type: single nucleotide variant.
Coding change: c.6938-313C>T on transcript NM_000059.4 (MANE Select); 313 bases into the intron before coding-DNA position 6938, C replaced by T.
Molecular consequence: intron variant.
Genome position (GRCh38, 1-based): chr13:32,346,514, C>T. VCF-style: chr13-32346514-C-T. GRCh37 (hg19) VCF-style: chr13-32920651-C-T.
Other names: IVS 12-313C>T.
Identifiers: ClinVar variation 209715 (VCV000209715.1), dbSNP rs185087806, ClinGen allele CA276683.